The following is an entry in ClinVar:

ClinVar aggregate classification (germline): Conflicting classifications of pathogenicity. Review status: criteria provided, conflicting classifications (1 of 4 stars). 4 submissions from 4 submitters: Uncertain significance (2); Benign (2). Last evaluated 2026-03-06.

Conditions:
Gorlin syndrome. Also called: Basal cell nevus syndrome; Nevoid Basal Cell Carcinoma Syndrome. Identifiers: Orphanet 377, MedGen C0004779, MONDO:0007187.
Hereditary cancer-predisposing syndrome. Also called: Neoplastic Syndromes, Hereditary; Hereditary neoplastic syndrome; Tumor predisposition; Hereditary Cancer Syndrome. Identifiers: Orphanet 140162, MedGen C0027672, MeSH D009386, MONDO:0015356.
Basal cell carcinoma, susceptibility to, 1. Also called: BCC1. Identifiers: MedGen C2751544, MONDO:0011556, OMIM 605462.

Allele frequency attached by ClinVar (database versions not stated): TOPMed 0.00002; ExAC 0.00001; gnomAD 0.00001; gnomAD exomes 0.00001 and 0.00002.

Submissions (4):

Ambry Genetics
Classification: Benign for Hereditary cancer-predisposing syndrome. Last evaluated: 2026-03-06. Review status: criteria provided, single submitter. Criteria: Ambry Variant Classification Scheme 2023. Collection method: clinical testing. Allele origin: germline.

Labcorp Genetics (formerly Invitae), Labcorp
Classification: Benign for Gorlin syndrome. Last evaluated: 2025-11-23. Review status: criteria provided, single submitter. Criteria: Invitae Variant Classification Sherloc (09022015). Collection method: clinical testing. Allele origin: germline.

Quest Diagnostics Nichols Institute San Juan Capistrano
Classification: Uncertain significance. Last evaluated: 2025-01-29. Review status: criteria provided, single submitter. Criteria: Quest Diagnostics criteria. Collection method: clinical testing. Allele origin: unknown.
Comment: The PTCH1 c.4058C>T (p.Ala1353Val) variant has not been reported in the germline of individuals with PTCH1-related conditions in the published literature. The frequency of this variant in the general population (Genome Aggregation Database) is uninformative in the assessment of its pathogenicity. Analysis of this variant using bioinformatics tools for the prediction of the effect of amino acid changes on protein structure and function yielded predictions that this variant is benign. Based on the available information, we are unable to determine the clinical significance of this variant.

Baylor Genetics
Classification: Uncertain significance for Basal cell carcinoma, susceptibility to, 1. Last evaluated: 2023-06-23. Review status: criteria provided, single submitter. Criteria: ACMG Guidelines, 2015. Collection method: clinical testing. Allele origin: unknown.

Literature cited by the submitters: PubMed 32256484 (cited by Quest Diagnostics Nichols Institute San Juan Capistrano); PubMed 34172935 (cited by Quest Diagnostics Nichols Institute San Juan Capistrano); PubMed 34653365 (cited by Quest Diagnostics Nichols Institute San Juan Capistrano).

NM_000264.5(PTCH1):c.4058C>T (p.Ala1353Val)

Gene: PTCH1 (patched 1; minus strand). Cytogenetic location: 9q22.32.
Variant type: single nucleotide variant.
Coding change: c.4058C>T on transcript NM_000264.5 (MANE Select); coding-DNA position 4058, C replaced by T.
Protein change: p.Ala1353Val; replaces alanine 1353 with valine.
Molecular consequence: missense variant. On other transcripts: non-coding transcript variant (1).
Genome position (GRCh38, 1-based): chr9:95,447,198, G>A on the plus strand (C>T on the coding strand, the complement: PTCH1 is on the minus strand). VCF-style: chr9-95447198-G-A. GRCh37 (hg19) VCF-style: chr9-98209480-G-A.
Other names: c.3860C>T, p.Ala1287Val (NM_001083602.3); c.4055C>T, p.Ala1352Val (NM_001083603.3); c.3605C>T, p.Ala1202Val (NM_001083604.3, NM_001083605.3, NM_001083606.3 and 1 more transcripts); c.3902C>T, p.Ala1301Val (NM_001354918.2); c.4058C>T (NM_000264.4); short protein forms A1353V, A1287V, A1301V, A1352V, A1202V.
Identifiers: ClinVar variation 568682 (VCV000568682.16), dbSNP rs777096311, ClinGen allele CA5137966.